The following is an entry in ClinVar:

NM_024757.5(EHMT1):c.3357C>T (p.Val1119=)

Gene: EHMT1 (euchromatic histone lysine methyltransferase 1; plus strand). Cytogenetic location: 9q34.3.
Variant type: single nucleotide variant.
Coding change: c.3357C>T on transcript NM_024757.5 (MANE Select); coding-DNA position 3357, C replaced by T.
Protein change: p.Val1119=; no amino-acid change (valine 1119 retained).
Molecular consequence: synonymous variant.
Genome position (GRCh38, 1-based): chr9:137,816,045, C>T. VCF-style: chr9-137816045-C-T. GRCh37 (hg19) VCF-style: chr9-140710497-C-T.
Other names: c.3357C>T (NM_024757.4); c.3336C>T, p.Val1112= (NM_001354263.2).
Identifiers: ClinVar variation 2712102 (VCV002712102.4), dbSNP rs772857770, ClinGen allele CA5375268.

ClinVar aggregate classification (germline): Benign/Likely benign. Review status: criteria provided, multiple submitters, no conflicts (2 of 4 stars). 2 submissions from 2 submitters: Benign (1); Likely benign (1). Last evaluated 2026-01-13.

Conditions:
EHMT1-related disorder. Also called: EHMT1-related condition.
Kleefstra syndrome 1 (KLEFS1). Identifiers: Orphanet 261494, MedGen C0795833, MONDO:0027407, OMIM 610253.

Allele frequency attached by ClinVar (database versions not stated): TOPMed 0.00001; ExAC 0.00002; gnomAD exomes 0.00004; gnomAD 0.00005.
gnomAD v4.1: 64 of 1,612,270 alleles (0.004%); highest among the groups gnomAD compares: Middle Eastern, 0.033%; no homozygotes.

Submissions (2):

Labcorp Genetics (formerly Invitae), Labcorp
Classification: Benign for Kleefstra syndrome 1. Last evaluated: 2026-01-13. Review status: criteria provided, single submitter. Criteria: Invitae Variant Classification Sherloc (09022015). Collection method: clinical testing. Allele origin: germline.

PreventionGenetics, part of Exact Sciences
Classification: Likely benign for EHMT1-related condition. Last evaluated: 2024-10-30. Review status: criteria provided, single submitter. Criteria: ACMG Guidelines, 2015. Collection method: clinical testing. Allele origin: germline.
Comment: This variant is classified as likely benign based on ACMG/AMP sequence variant interpretation guidelines (Richards et al. 2015 PMID: 25741868, with internal and published modifications).